The following is an entry in ClinVar:

ClinVar aggregate classification (germline): Uncertain significance. Review status: criteria provided, multiple submitters, no conflicts (2 of 4 stars). 2 submissions from 2 submitters: Uncertain significance (2). Last evaluated 2025-11-19.

Conditions:
Intellectual developmental disorder, autosomal dominant 43. Also called: Intellectual disability, autosomal dominant 43. Identifiers: MedGen C4707429, MONDO:0014858, OMIM 616977.

Allele frequency attached by ClinVar (database versions not stated): gnomAD exomes below 0.00001; TOPMed 0.00001; gnomAD 0.00001.
gnomAD v4.1: 3 of 1,614,074 alleles (0.00019%); highest among the groups gnomAD compares: African/African-American, 0.004%; no homozygotes.

Submissions (2):

Women's Health and Genetics/Laboratory Corporation of America, LabCorp
Classification: Uncertain significance. Last evaluated: 2025-11-19. Review status: criteria provided, single submitter. Criteria: LabCorp Variant Classification Summary - May 2015. Collection method: clinical testing. Allele origin: germline.
Comment: Variant summary: HIVEP2 c.4022A>C (p.His1341Pro) results in a non-conservative amino acid change in the encoded protein sequence. Algorithms developed to predict the effect of missense changes on protein structure and function are either unavailable or do not agree on the potential impact of this missense change. The variant was absent in 249520 control chromosomes. The available data on variant occurrences in the general population are insufficient to allow any conclusion about variant significance. To our knowledge, no occurrence of c.4022A>C in individuals affected with HIVEP2-related conditions and no experimental evidence demonstrating its impact on protein function have been reported. ClinVar contains an entry for this variant (Variation ID: 1031082). Based on the evidence outlined above, the variant was classified as uncertain significance.

Baylor Genetics
Classification: Uncertain significance for Intellectual developmental disorder, autosomal dominant 43. Last evaluated: 2019-06-26. Review status: criteria provided, single submitter. Criteria: ACMG Guidelines, 2015. Collection method: clinical testing. Allele origin: unknown. Affected: yes.
Comment: This variant was determined to be of uncertain significance according to ACMG Guidelines, 2015 [PMID:25741868].

NM_006734.4(HIVEP2):c.4022A>C (p.His1341Pro)

Gene: HIVEP2 (HIVEP zinc finger 2; minus strand). Cytogenetic location: 6q24.2.
Variant type: single nucleotide variant.
Coding change: c.4022A>C on transcript NM_006734.4 (MANE Select); coding-DNA position 4022, A replaced by C.
Protein change: p.His1341Pro; replaces histidine 1341 with proline.
Molecular consequence: missense variant.
Genome position (GRCh38, 1-based): chr6:142,770,717, T>G on the plus strand (A>C on the coding strand, the complement: HIVEP2 is on the minus strand). VCF-style: chr6-142770717-T-G. GRCh37 (hg19) VCF-style: chr6-143091854-T-G.
Other names: short protein forms H1341P.
Identifiers: ClinVar variation 1031082 (VCV001031082.2), dbSNP rs998840629, ClinGen allele CA149015293.